The following is an entry in ClinVar:

ClinVar aggregate classification (germline): Conflicting classifications of pathogenicity. Review status: criteria provided, conflicting classifications (1 of 4 stars). 3 submissions from 3 submitters: Uncertain significance (2); Likely benign (1). Last evaluated 2025-07-01.

Submissions (3):

CeGaT Center for Human Genetics Tuebingen
Classification: Likely benign. Last evaluated: 2025-07-01. Review status: criteria provided, single submitter. Criteria: CeGaT Center For Human Genetics Tuebingen Variant Classification Criteria Version 2. Collection method: clinical testing. Allele origin: germline. Affected: yes. Observed: 1 variant allele.
Comment: PPP2R5D: BS2

Labcorp Genetics (formerly Invitae), Labcorp
Classification: Uncertain significance. Last evaluated: 2025-05-07. Review status: criteria provided, single submitter. Criteria: Invitae Variant Classification Sherloc (09022015). Collection method: clinical testing. Allele origin: germline.
Comment: This variant, c.123_140del, results in the deletion of 6 amino acid(s) of the PPP2R5D protein (p.Pro42_Gln47del), but otherwise preserves the integrity of the reading frame. This variant is present in population databases (rs763598660, gnomAD 0.01%). This variant has not been reported in the literature in individuals affected with PPP2R5D-related conditions. ClinVar contains an entry for this variant (Variation ID: 2579561). Experimental studies and prediction algorithms are not available or were not evaluated, and the functional significance of this variant is currently unknown. In summary, the available evidence is currently insufficient to determine the role of this variant in disease. Therefore, it has been classified as a Variant of Uncertain Significance.

GeneDx
Classification: Uncertain significance. Last evaluated: 2023-03-05. Review status: criteria provided, single submitter. Criteria: GeneDx Variant Classification Process June 2021. Collection method: clinical testing. Allele origin: germline. Affected: yes.
Comment: In-frame deletion of 6 amino acids in a non-repeat region; In silico analysis supports a deleterious effect on protein structure/function; Has not been previously published as pathogenic or benign to our knowledge

NM_006245.4(PPP2R5D):c.117GCCCCA[1] (p.38PQ[2])

Gene: PPP2R5D (protein phosphatase 2 regulatory subunit B'delta; plus strand). Cytogenetic location: 6p21.1.
Variant type: Microsatellite.
Coding change: c.117GCCCCA[1] on transcript NM_006245.4 (MANE Select); one copy of the 6-base unit GCCCCA starting at c.117; the reference has four copies in a row; three copies, 18 bases deleted.
Protein change: p.38PQ[2].
Molecular consequence: inframe deletion. On other transcripts: 5 prime UTR variant (1), intron variant (1).
Genome position (GRCh38, 1-based): chr6:43,006,480-43,006,497, GCCCCAGCCCCAGCCCCA deleted; deleting any 18 consecutive bases within chr6:43,006,472-43,006,497 gives the same sequence; the position shown is the placement nearest the transcript's 3' end. VCF-style (leftmost placement, unchanged base first): chr6-43006471-GCAGCCCCAGCCCCAGCCC-G. GRCh37 (hg19) VCF-style: chr6-42974209-GCAGCCCCAGCCCCAGCCC-G.
Other names: c.-337GCCCCA[1] (NM_001270476.2); c.117GCCCCA[1], p.38PQ[2] (NM_180976.3); c.28-454_28-437del (NM_180977.3).
Identifiers: ClinVar variation 2579561 (VCV002579561.10), ClinGen allele CA3811753.